The following is an entry in ClinVar:

ClinVar aggregate classification (germline): Pathogenic/Likely pathogenic. Review status: criteria provided, multiple submitters, no conflicts (2 of 4 stars). 2 submissions from 2 submitters: Pathogenic (1); Likely pathogenic (1). Last evaluated 2025-10-29.

Conditions:
Joubert syndrome 23 (JBTS23). Identifiers: Orphanet 475, MedGen C4084822, MONDO:0014664, OMIM 616490.
Short-rib thoracic dysplasia 14 with polydactyly (SRTD14). Identifiers: Orphanet 397715, MedGen C4225286, MONDO:0014688, OMIM 616546.

Submissions (2):

Labcorp Genetics (formerly Invitae), Labcorp
Classification: Pathogenic for Joubert syndrome 23; Short-rib thoracic dysplasia 14 with polydactyly. Last evaluated: 2025-10-29. Review status: criteria provided, single submitter. Criteria: Invitae Variant Classification Sherloc (09022015). Collection method: clinical testing. Allele origin: germline.
Comment: This sequence change creates a premature translational stop signal (p.Gln317Thrfs*11) in the KIAA0586 gene. It is expected to result in an absent or disrupted protein product. Loss-of-function variants in KIAA0586 are known to be pathogenic (PMID: 26096313, 26166481, 26386044). This variant is present in population databases (no rsID available, gnomAD 0.009%). This variant has not been reported in the literature in individuals affected with KIAA0586-related conditions. ClinVar contains an entry for this variant (Variation ID: 524064). For these reasons, this variant has been classified as Pathogenic.

GeneDx
Classification: Likely pathogenic. Last evaluated: 2018-04-06. Review status: criteria provided, single submitter. Criteria: GeneDx Variant Classification (06012015). Collection method: clinical testing. Allele origin: germline. Affected: yes.
Comment: A variant that is likely pathogenic has also been identified in the KIAA0586 gene. The c.948dupA variant in the KIAA0586 gene has not been reported previously as a pathogenic variant nor as a benign variant, to our knowledge. The c.948dupA variant causes a frameshift starting with codon Glutamine 317, changes this amino acid to a Threonine residue, and creates a premature Stop codon at position 11 of the new reading frame, denoted p.Q317TfsX11. This variant is predicted to cause loss of normal protein function either through protein truncation or nonsense-mediated mRNA decay. The c.948dupA variant is observed in 3/33448 (0.009%) alleles from individuals of Latino background in large population cohorts (Lek et al., 2016). Therefore, this variant is likely pathogenic; however, the possibility that it is benign cannot be excluded.

Literature cited by the submitters: PubMed 26096313 (cited by Labcorp Genetics (formerly Invitae), Labcorp); PubMed 26166481 (cited by Labcorp Genetics (formerly Invitae), Labcorp); PubMed 26386044 (cited by Labcorp Genetics (formerly Invitae), Labcorp).

NM_001329943.3(KIAA0586):c.789dup (p.Gln264fs)

Gene: KIAA0586 (KIAA0586; plus strand). Cytogenetic location: 14q23.1.
Variant type: Duplication.
Coding change: c.789dup on transcript NM_001329943.3 (MANE Select); coding-DNA position 789, one base duplicated (A; older notation c.789dupA).
Protein change: p.Gln264fs; shifts the reading frame from glutamine 264.
Molecular consequence: frameshift variant.
Genome position (GRCh38, 1-based): chr14:58,444,157, A duplicated; the last of 2 consecutive A bases (chr14:58,444,156-58,444,157); duplicating either gives the same sequence. VCF-style (leftmost placement, unchanged base first): chr14-58444155-C-CA. GRCh37 (hg19) VCF-style: chr14-58910873-C-CA.
Other names: c.948dupA (NM_001244189.1); c.948dup, p.Gln317fs (NM_001244189.2); c.744dup, p.Gln249fs (NM_001244190.2); c.534dup, p.Gln179fs (NM_001244191.2, NM_001329945.2, NM_001364700.1 and 1 more transcripts); c.657dup, p.Gln220fs (NM_001244192.2); c.369dup, p.Gln124fs (NM_001244193.2); c.789dup, p.Gln264fs (NM_001329944.2, NM_001329946.2, NM_001329947.2 and 1 more transcripts); short protein forms Q249fs, Q124fs, Q179fs, Q220fs, Q264fs, Q317fs.
Identifiers: ClinVar variation 524064 (VCV000524064.9), dbSNP rs1203751352, ClinGen allele CA614733316.
Genomic context (GRCh38, chr14:58,444,155, plus strand): 5'-CACGAAAAGCAAATGAATGTGTTTATGGAGCAGCACATAAGGCATCTTGAAAAGTTACAA[C>CA]AACAACAAATAGATATTCAGGTATCTGTAATAAATCCAGTACAGATTCCATAATCTTTTA-3'